The following is an entry in ClinVar:

NM_000059.4(BRCA2):c.7043A>G (p.Asn2348Ser)

Gene: BRCA2 (BRCA2 DNA repair associated; plus strand). Cytogenetic location: 13q13.1.
Variant type: single nucleotide variant.
Coding change: c.7043A>G on transcript NM_000059.4 (MANE Select); coding-DNA position 7043, A replaced by G.
Protein change: p.Asn2348Ser; replaces asparagine 2348 with serine.
Molecular consequence: missense variant.
Genome position (GRCh38, 1-based): chr13:32,354,896, A>G. VCF-style: chr13-32354896-A-G. GRCh37 (hg19) VCF-style: chr13-32929033-A-G.
Other names: short protein forms N2348S.
Identifiers: ClinVar variation 826796 (VCV000826796.17), dbSNP rs747817752, ClinGen allele CA6941054.

ClinVar aggregate classification (germline): Conflicting classifications of pathogenicity. Review status: criteria provided, conflicting classifications (1 of 4 stars). 3 submissions from 3 submitters: Uncertain significance (2); Likely benign (1). Last evaluated 2025-03-04.

Conditions:
Hereditary breast ovarian cancer syndrome. Also called: Hereditary breast and ovarian cancer syndrome; Hereditary breast and ovarian cancer; Hereditary breast and ovarian cancer syndrome (HBOC); Breast and ovarian cancer; Hereditary breast and/or ovarian cancer syndrome; BRCA1- and BRCA2-Associated Hereditary Breast and Ovarian Cancer. Identifiers: Orphanet 145, MedGen C0677776, MeSH D061325, MONDO:0003582. Disease mechanism: loss of function.
Hereditary cancer-predisposing syndrome. Also called: Neoplastic Syndromes, Hereditary; Tumor predisposition; Hereditary neoplastic syndrome; Hereditary Cancer Syndrome. Identifiers: Orphanet 140162, MedGen C0027672, MeSH D009386, MONDO:0015356.

Allele frequency attached by ClinVar (database versions not stated): gnomAD exomes below 0.00001; ExAC 0.00001.
gnomAD v4.1: 4 of 1,613,370 alleles (0.00025%); highest among the groups gnomAD compares: Non-Finnish European, 0.00034%; no homozygotes.

Submissions (3):

Center for Genomic Medicine, Rigshospitalet, Copenhagen University Hospital
Classification: Likely benign. Last evaluated: 2025-03-04. Review status: criteria provided, single submitter. Criteria: ACMG Guidelines, 2015. Collection method: clinical testing. Allele origin: germline.

Ambry Genetics
Classification: Uncertain significance for Hereditary cancer-predisposing syndrome. Last evaluated: 2024-12-11. Review status: criteria provided, single submitter. Criteria: Ambry Variant Classification Scheme 2023. Collection method: clinical testing. Allele origin: germline.
Comment: The p.N2348S variant (also known as c.7043A>G), located in coding exon 13 of the BRCA2 gene, results from an A to G substitution at nucleotide position 7043. The asparagine at codon 2348 is replaced by serine, an amino acid with highly similar properties. This amino acid position is not well conserved in available vertebrate species. In addition, this alteration is predicted to be tolerated by in silico analysis. Based on the available evidence, the clinical significance of this variant remains unclear.

Labcorp Genetics (formerly Invitae), Labcorp
Classification: Uncertain significance for Hereditary breast ovarian cancer syndrome. Last evaluated: 2019-06-05. Review status: criteria provided, single submitter. Criteria: Invitae Variant Classification Sherloc (09022015). Collection method: clinical testing. Allele origin: germline.
Comment: This sequence change replaces asparagine with serine at codon 2348 of the BRCA2 protein (p.Asn2348Ser). The asparagine residue is moderately conserved and there is a small physicochemical difference between asparagine and serine. This variant is present in population databases (rs747817752, ExAC 0.01%). This variant has not been reported in the literature in individuals with BRCA2-related conditions. Algorithms developed to predict the effect of missense changes on protein structure and function output the following: SIFT: "Tolerated"; PolyPhen-2: "Possibly Damaging"; Align-GVGD: "Class C0". The serine amino acid residue is found in multiple mammalian species, suggesting that this missense change does not adversely affect protein function. These predictions have not been confirmed by published functional studies and their clinical significance is uncertain. In summary, the available evidence is currently insufficient to determine the role of this variant in disease. Therefore, it has been classified as a Variant of Uncertain Significance.